The following is an entry in ClinVar:

NM_000789.4(ACE):c.*586C>A

Gene: ACE (angiotensin I converting enzyme; plus strand). Cytogenetic location: 17q23.3.
Variant type: single nucleotide variant.
Coding change: c.*586C>A on transcript NM_000789.4 (MANE Select); 586 bases downstream of the stop codon, C replaced by A.
Molecular consequence: 3 prime UTR variant.
Genome position (GRCh38, 1-based): chr17:63,497,952, C>A. VCF-style: chr17-63497952-C-A. GRCh37 (hg19) VCF-style: chr17-61575313-C-A.
Other names: c.*586C>A (NM_001178057.2, NM_152830.3).
Identifiers: ClinVar variation 324430 (VCV000324430.5), dbSNP rs74979666, ClinGen allele CA10646390.

ClinVar aggregate classification (germline): Benign (1 of 4 stars; one submission).

Conditions:
Renal tubular dysgenesis. Also called: Renotubular dysgenesis. Identifiers: Orphanet 3033, MedGen C0266313, MONDO:0017609, HP:0008660.

Allele frequency attached by ClinVar (database versions not stated): 1000 Genomes Project 0.00998; 1000 Genomes Project 30x 0.01093; gnomAD 0.01148; TOPMed 0.01183.
gnomAD v4.1: 1,634 of 208,408 alleles (0.78%); highest among the groups gnomAD compares: African/African-American, 3.6%; 22 homozygotes.

Submission:

Illumina Laboratory Services, Illumina
Classification: Benign for Renal tubular dysgenesis of genetic origin. Last evaluated: 2018-01-13. Review status: criteria provided, single submitter. Criteria: ICSL Variant Classification Criteria 13 December 2019. Collection method: clinical testing. Allele origin: germline.
Comment: This variant was observed in the ICSL laboratory as part of a predisposition screen in an ostensibly healthy population. It had not been previously curated by ICSL or reported in the Human Gene Mutation Database (HGMD: prior to June 1st, 2018), and was therefore a candidate for classification through an automated scoring system. Utilizing variant allele frequency, disease prevalence and penetrance estimates, and inheritance mode, an automated score was calculated to assess if this variant is too frequent to cause the disease. Based on the score and internal cut-off values, a variant classified as benign is not then subjected to further curation. The score for this variant resulted in a classification of benign for this disease.